The following is an entry in ClinVar:

ClinVar aggregate classification (germline): Uncertain significance. Review status: criteria provided, multiple submitters, no conflicts (2 of 4 stars). 2 submissions from 2 submitters: Uncertain significance (2). Last evaluated 2022-08-08.

Conditions:
Inborn genetic diseases. Identifiers: MedGen C0950123, MeSH D030342.

Allele frequency attached by ClinVar (database versions not stated): gnomAD 0.00001; gnomAD exomes 0.00002; TOPMed 0.00004; ExAC 0.00008.
gnomAD v4.1: 26 of 1,614,058 alleles (0.0016%); highest among the groups gnomAD compares: East Asian, 0.056%; no homozygotes.

Submissions (2):

Ambry Genetics
Classification: Uncertain significance for Inborn genetic diseases. Last evaluated: 2022-08-08. Review status: criteria provided, single submitter. Criteria: Ambry Variant Classification Scheme 2023. Collection method: clinical testing. Allele origin: germline.

Labcorp Genetics (formerly Invitae), Labcorp
Classification: Uncertain significance. Last evaluated: 2022-07-28. Review status: criteria provided, single submitter. Criteria: Invitae Variant Classification Sherloc (09022015). Collection method: clinical testing. Allele origin: germline.
Comment: This sequence change replaces glutamic acid, which is acidic and polar, with lysine, which is basic and polar, at codon 174 of the CENPJ protein (p.Glu174Lys). This variant is present in population databases (rs776768235, gnomAD 0.1%). This variant has not been reported in the literature in individuals affected with CENPJ-related conditions. Algorithms developed to predict the effect of missense changes on protein structure and function are either unavailable or do not agree on the potential impact of this missense change (SIFT: "Deleterious"; PolyPhen-2: "Possibly Damaging"; Align-GVGD: "Class C0"). In summary, the available evidence is currently insufficient to determine the role of this variant in disease. Therefore, it has been classified as a Variant of Uncertain Significance.

NM_018451.5(CPAP):c.520G>A (p.Glu174Lys)

Gene: CPAP (centrosome assembly and centriole elongation protein; minus strand). Cytogenetic location: 13q12.13.
Variant type: single nucleotide variant.
Coding change: c.520G>A on transcript NM_018451.5 (MANE Select); coding-DNA position 520, G replaced by A.
Protein change: p.Glu174Lys; replaces glutamic acid 174 with lysine.
Molecular consequence: missense variant. On other transcripts: non-coding transcript variant (2).
Genome position (GRCh38, 1-based): chr13:24,911,994, C>T on the plus strand (G>A on the coding strand, the complement: CPAP is on the minus strand). VCF-style: chr13-24911994-C-T. GRCh37 (hg19) VCF-style: chr13-25486132-C-T.
Other names: c.520G>A (NM_018451.3); short protein forms E174K.
Identifiers: ClinVar variation 2179689 (VCV002179689.2), dbSNP rs776768235, ClinGen allele CA6919991.